The following is an entry in ClinVar:

NM_006017.3(PROM1):c.1406_1407insT (p.Thr470fs)

Gene: PROM1 (prominin 1; minus strand). Cytogenetic location: 4p15.32.
Variant type: Insertion.
Coding change: c.1406_1407insT on transcript NM_006017.3 (MANE Select); coding-DNA positions 1406 to 1407, T inserted.
Protein change: p.Thr470fs; shifts the reading frame from threonine 470.
Molecular consequence: frameshift variant.
Genome position: GRCh38 VCF-style: chr4-16006585-C-CA. GRCh37 (hg19) VCF-style: chr4-16008208-C-CA.
Other names: NC_000004.11:g.16008208_16008209insA; NP_006008.1:p.(Thr470AspfsTer48); c.1379_1380insT, p.Thr461fs (NM_001145847.2, NM_001145848.2, NM_001145851.2 and 4 more transcripts); c.1406_1407insT, p.Thr470fs (NM_001145849.2, NM_001145850.2); short protein forms T461fs, T470fs.
Identifiers: ClinVar variation 3381820 (VCV003381820.2).

ClinVar aggregate classification (germline): Likely pathogenic (1 of 4 stars; one submission).

Conditions:
Retinal dystrophy. Also called: Inherited retinal dystrophy. Identifiers: Orphanet 71862, MedGen C0854723, MeSH D058499, MONDO:0019118, HP:0000556.

Submission:

Ophthalmic Genetics Group, Institute of Molecular and Clinical Ophthalmology Basel
Classification: Likely pathogenic for Retinal dystrophy. Last evaluated: 2024-05-27. Review status: criteria provided, single submitter. Criteria: ACMG Guidelines, 2015. Collection method: research. Allele origin: germline. Affected: yes. Observed: 2 variant alleles.
Comment: This variant was classified as Likely pathogenic based on ACMG criteria: PVS1_strong and PM2_mod,

Literature cited by the submitters: PubMed 40180963.